The following is an entry in ClinVar:

NM_001042424.3(NSD2):c.2331G>A (p.Pro777=)

Gene: NSD2 (nuclear receptor binding SET domain protein 2; plus strand). Cytogenetic location: 4p16.3.
Variant type: single nucleotide variant.
Coding change: c.2331G>A on transcript NM_001042424.3 (MANE Select); coding-DNA position 2331, G replaced by A.
Protein change: p.Pro777=; no amino-acid change (proline 777 retained).
Molecular consequence: synonymous variant.
Genome position (GRCh38, 1-based): chr4:1,953,517, G>A. VCF-style: chr4-1953517-G-A. GRCh37 (hg19) VCF-style: chr4-1955244-G-A.
Other names: c.2331G>A (NM_001042424.2); c.2331G>A, p.Pro777= (NM_133330.3, NM_133331.3, NM_133335.4).
Identifiers: ClinVar variation 1905093 (VCV001905093.7), dbSNP rs917950554, ClinGen allele CA91278947.

ClinVar aggregate classification (germline): Likely benign. Review status: criteria provided, single submitter (1 of 4 stars). 2 submissions from 2 submitters: Likely benign (1). 1 of the submissions does not count toward it. Last evaluated 2025-03-31.

Conditions:
NSD2-related disorder. Also called: NSD2 related disorders; NSD2-related condition.

Allele frequency attached by ClinVar (database versions not stated): gnomAD 0.00001; TOPMed 0.00002.
gnomAD v4.1: 18 of 1,608,776 alleles (0.0011%); highest among the groups gnomAD compares: Middle Eastern, 0.05%; no homozygotes.

Submissions (2):

Labcorp Genetics (formerly Invitae), Labcorp
Classification: Likely benign. Last evaluated: 2025-03-31. Review status: criteria provided, single submitter. Criteria: Invitae Variant Classification Sherloc (09022015). Collection method: clinical testing. Allele origin: germline.

PreventionGenetics, part of Exact Sciences
Classification: Likely benign for NSD2-related condition. Last evaluated: 2019-09-13. Review status: no assertion criteria provided. Collection method: clinical testing. Allele origin: germline. Not counted in ClinVar's aggregate classification.
Comment: This variant is classified as likely benign based on ACMG/AMP sequence variant interpretation guidelines (Richards et al. 2015 PMID: 25741868, with internal and published modifications).